The following is an entry in ClinVar:

NM_000057.4(BLM):c.3836T>C (p.Ile1279Thr)

Gene: BLM (BLM RecQ like helicase; plus strand). Cytogenetic location: 15q26.1.
Variant type: single nucleotide variant.
Coding change: c.3836T>C on transcript NM_000057.4 (MANE Select); coding-DNA position 3836, T replaced by C.
Protein change: p.Ile1279Thr; replaces isoleucine 1279 with threonine.
Molecular consequence: missense variant.
Genome position (GRCh38, 1-based): chr15:90,809,221, T>C. VCF-style: chr15-90809221-T-C. GRCh37 (hg19) VCF-style: chr15-91352451-T-C.
Other names: c.3836T>C, p.Ile1279Thr (NM_001287246.2); c.3443T>C, p.Ile1148Thr (NM_001287247.2); c.2711T>C, p.Ile904Thr (NM_001287248.2); short protein forms I1279T, I1148T, I904T.
Identifiers: ClinVar variation 5032877 (VCV005032877.1).

ClinVar aggregate classification (germline): Uncertain significance (1 of 4 stars; one submission).

Conditions:
Hereditary cancer-predisposing syndrome. Also called: Neoplastic Syndromes, Hereditary; Tumor predisposition; Hereditary neoplastic syndrome; Hereditary Cancer Syndrome. Identifiers: Orphanet 140162, MedGen C0027672, MeSH D009386, MONDO:0015356.

Submission:

Ambry Genetics
Classification: Uncertain significance for Hereditary cancer-predisposing syndrome. Last evaluated: 2026-07-06. Review status: criteria provided, single submitter. Criteria: Ambry Variant Classification Scheme 2023. Collection method: clinical testing. Allele origin: germline.
Comment: The p.I1279T variant (also known as c.3836T>C), located in coding exon 19 of the BLM gene, results from a T to C substitution at nucleotide position 3836. The isoleucine at codon 1279 is replaced by threonine, an amino acid with similar properties. This amino acid position is conserved. In addition, this alteration is predicted to be deleterious by in silico analysis. Based on the available evidence, the clinical significance of this variant remains unclear.